The following is an entry in ClinVar:

NM_000540.3(RYR1):c.14370C>T (p.Phe4790=)

Gene: RYR1 (ryanodine receptor 1; plus strand). Cytogenetic location: 19q13.2.
Variant type: single nucleotide variant.
Coding change: c.14370C>T on transcript NM_000540.3 (MANE Select); coding-DNA position 14370, C replaced by T.
Protein change: p.Phe4790=; no amino-acid change (phenylalanine 4790 retained).
Molecular consequence: synonymous variant.
Genome position (GRCh38, 1-based): chr19:38,579,987, C>T. VCF-style: chr19-38579987-C-T. GRCh37 (hg19) VCF-style: chr19-39070627-C-T.
Other names: c.14355C>T, p.Phe4785= (NM_001042723.2).
Identifiers: ClinVar variation 3385624 (VCV003385624.1).

ClinVar aggregate classification (germline): Likely benign (1 of 4 stars; one submission).

Conditions:
Malignant hyperthermia, susceptibility to, 1 (MHS1). Also called: Anesthesia related hyperthermia; Malignant hyperpyrexia; Fulminating hyperpyrexia; Pharmacogenic myopathy; Malignant hyperthermia suceptibility 1; RYR1-Related Malignant Hyperthermia Susceptibility. Identifiers: Orphanet 423, MedGen C2930980, MONDO:0007783, OMIM 145600.

Submission:

All of Us Research Program, National Institutes of Health
Classification: Likely benign for Malignant hyperthermia, susceptibility to, 1. Last evaluated: 2024-02-22. Review status: criteria provided, single submitter. Criteria: ACMG Guidelines, 2015. Collection method: clinical testing. Allele origin: germline. Inheritance: Autosomal dominant inheritance. Observed: 1 variant allele, 1 heterozygote.
Comment: This study involves interpretation of variants in research participants for the purpose of population health screening. Participant phenotype was not available at the time of variant classification. Additional details can be found in publication PMID: 35346344, PMCID: PMC8962531